The following is an entry in ClinVar:

ClinVar aggregate classification (germline): Pathogenic. Review status: criteria provided, multiple submitters, no conflicts (2 of 4 stars). 2 submissions from 2 submitters: Pathogenic (2). Last evaluated 2025-04-15.

Conditions:
Congenital hyperammonemia, type I. Also called: CPS I DEFICIENCY; Carbamoyl-phosphate synthase I deficiency; Carbamoyl phosphate synthetase 1 deficiency; Hyperammonemia due to carbamoyl phosphate synthetase 1 deficiency; CPS 1 deficiency; Carbamyl phosphate synthetase (CPS) deficiency. Identifiers: Orphanet 147, MedGen C4082171, MONDO:0009376, OMIM 237300.

Submissions (2):

Myriad Genetics, Inc.
Classification: Pathogenic for Congenital hyperammonemia, type I. Last evaluated: 2025-04-15. Review status: criteria provided, single submitter. Criteria: Myriad Autosomal Dominant, Autosomal Recessive and X-Linked Classification Criteria (2023). Collection method: clinical testing. Allele origin: unknown.
Comment: NM_001875.4(CPS1):c.2477delG(R826Lfs*4) is expected to be pathogenic in the context of carbamoylphosphate synthetase I deficiency. This variant is predicted to lead to an abnormal or absent protein product due to the creation of a premature termination codon in CPS1, a gene where loss-of-function variants are known to be pathogenic. Please note: this variant was assessed in the context of healthy population screening.

Labcorp Genetics (formerly Invitae), Labcorp
Classification: Pathogenic for Congenital hyperammonemia, type I. Last evaluated: 2022-06-13. Review status: criteria provided, single submitter. Criteria: Invitae Variant Classification Sherloc (09022015). Collection method: clinical testing. Allele origin: germline.
Comment: For these reasons, this variant has been classified as Pathogenic. This variant has not been reported in the literature in individuals affected with CPS1-related conditions. This variant is not present in population databases (gnomAD no frequency). This sequence change creates a premature translational stop signal (p.Arg826Leufs*4) in the CPS1 gene. It is expected to result in an absent or disrupted protein product. Loss-of-function variants in CPS1 are known to be pathogenic (PMID: 21120950).

Literature cited by the submitters: PubMed 21120950 (cited by Labcorp Genetics (formerly Invitae), Labcorp).

NM_001875.5(CPS1):c.2477del (p.Arg826fs)

Gene: CPS1 (carbamoyl-phosphate synthase 1; plus strand). Cytogenetic location: 2q34.
Variant type: Deletion.
Coding change: c.2477del on transcript NM_001875.5 (MANE Select); coding-DNA position 2477, one base deleted (G; older notation c.2477delG).
Protein change: p.Arg826fs; shifts the reading frame from arginine 826.
Molecular consequence: frameshift variant. On other transcripts: non-coding transcript variant (2).
Genome position (GRCh38, 1-based): chr2:210,612,202, G deleted. VCF-style (leftmost placement, unchanged base first): chr2-210612201-CG-C. GRCh37 (hg19) VCF-style: chr2-211476925-CG-C.
Other names: c.2477del, p.Arg826fs (NM_001122633.3, NM_001369257.1); c.2510del, p.Arg837fs (NM_001369256.1); short protein forms R837fs, R826fs.
Identifiers: ClinVar variation 1935741 (VCV001935741.6), dbSNP rs2469186636, ClinGen allele CA2580065548.